The following is an entry in ClinVar:

ClinVar aggregate classification (germline): Uncertain significance (1 of 4 stars; one submission).

Conditions:
RASopathy. Also called: rasopathies; Noonan spectrum disorder. Identifiers: Orphanet 536391, MedGen C5555857, MONDO:0021060.

Submission:

Labcorp Genetics (formerly Invitae), Labcorp
Classification: Uncertain significance for RASopathy. Last evaluated: 2025-04-24. Review status: criteria provided, single submitter. Criteria: Invitae Variant Classification Sherloc (09022015). Collection method: clinical testing. Allele origin: germline.
Comment: This sequence change creates a premature translational stop signal (p.Gln1300*) in the SOS1 gene. While this is not anticipated to result in nonsense mediated decay, it is expected to disrupt the last 34 amino acid(s) of the SOS1 protein. This variant is not present in population databases (gnomAD no frequency). This variant has not been reported in the literature in individuals affected with SOS1-related conditions. In summary, the available evidence is currently insufficient to determine the role of this variant in disease. Therefore, it has been classified as a Variant of Uncertain Significance.

NM_005633.4(SOS1):c.3898C>T (p.Gln1300Ter)

Gene: SOS1 (SOS Ras/Rac guanine nucleotide exchange factor 1; minus strand). Cytogenetic location: 2p22.1.
Variant type: single nucleotide variant.
Coding change: c.3898C>T on transcript NM_005633.4 (MANE Select); coding-DNA position 3898, C replaced by T.
Protein change: p.Gln1300Ter; replaces glutamine 1300 with a stop codon.
Molecular consequence: nonsense.
Genome position (GRCh38, 1-based): chr2:38,985,928, G>A on the plus strand (C>T on the coding strand, the complement: SOS1 is on the minus strand). VCF-style: chr2-38985928-G-A. GRCh37 (hg19) VCF-style: chr2-39213069-G-A.
Other names: c.3877C>T, p.Gln1293Ter (NM_001382394.1); c.3853C>T, p.Gln1285Ter (NM_001382395.1); short protein forms Q1300*, Q1293*, Q1285*.
Identifiers: ClinVar variation 4718293 (VCV004718293.1).